The following is an entry in ClinVar:

NM_021803.4(IL21):c.311A>G (p.Lys104Arg)

Gene: IL21 (interleukin 21; minus strand). Cytogenetic location: 4q27.
Variant type: single nucleotide variant.
Coding change: c.311A>G on transcript NM_021803.4 (MANE Select); coding-DNA position 311, A replaced by G.
Protein change: p.Lys104Arg; replaces lysine 104 with arginine.
Molecular consequence: missense variant.
Genome position (GRCh38, 1-based): chr4:122,615,731, T>C on the plus strand (A>G on the coding strand, the complement: IL21 is on the minus strand). VCF-style: chr4-122615731-T-C. GRCh37 (hg19) VCF-style: chr4-123536886-T-C.
Other names: c.311A>G, p.Lys104Arg (NM_001207006.3); short protein forms K104R.
Identifiers: ClinVar variation 1717528 (VCV001717528.5), dbSNP rs1444700743, ClinGen allele CA358221239.
Genomic context (GRCh38, chr4:122,615,731, plus strand): 5'-GACAATCTTACTAGTCTGTGTTTCTGTCTTCTCCCTGCATTTGTGGAAGGTGGTTTCCTC[T>C]TCAGCTTTTTAATTGATACATTGATTATCCTTTCATTGTTTCCTGTATTTGCTGACTTTA-3'
Protein context (NP_068575.1, residues 94-114): RIINVSIKKL[Lys104Arg]RKPPSTNAGR

ClinVar aggregate classification (germline): Uncertain significance (1 of 4 stars; one submission).

Allele frequency attached by ClinVar (database versions not stated): gnomAD exomes below 0.00001.
gnomAD v4.1: 3 of 1,613,958 alleles (0.00019%); highest among the groups gnomAD compares: Admixed American, 0.0017%; no homozygotes.

Submission:

Labcorp Genetics (formerly Invitae), Labcorp
Classification: Uncertain significance. Last evaluated: 2024-04-07. Review status: criteria provided, single submitter. Criteria: Invitae Variant Classification Sherloc (09022015). Collection method: clinical testing. Allele origin: germline.
Comment: This sequence change replaces lysine, which is basic and polar, with arginine, which is basic and polar, at codon 104 of the IL21 protein (p.Lys104Arg). This variant is present in population databases (no rsID available, gnomAD 0.003%). This variant has not been reported in the literature in individuals affected with IL21-related conditions. ClinVar contains an entry for this variant (Variation ID: 1717528). Algorithms developed to predict the effect of missense changes on protein structure and function output the following: SIFT: "Not Available"; PolyPhen-2: "Benign"; Align-GVGD: "Not Available". The arginine amino acid residue is found in multiple mammalian species, which suggests that this missense change does not adversely affect protein function. In summary, the available evidence is currently insufficient to determine the role of this variant in disease. Therefore, it has been classified as a Variant of Uncertain Significance.